The following is an entry in ClinVar:

ClinVar aggregate classification (germline): Uncertain significance (1 of 4 stars; one submission).

Submission:

Labcorp Genetics (formerly Invitae), Labcorp
Classification: Uncertain significance. Last evaluated: 2022-11-02. Review status: criteria provided, single submitter. Criteria: Invitae Variant Classification Sherloc (09022015). Collection method: clinical testing. Allele origin: germline.
Comment: This sequence change replaces lysine, which is basic and polar, with arginine, which is basic and polar, at codon 316 of the FOXRED1 protein (p.Lys316Arg). This variant is not present in population databases (gnomAD no frequency). This variant has not been reported in the literature in individuals affected with FOXRED1-related conditions. Algorithms developed to predict the effect of missense changes on protein structure and function output the following: SIFT: "Tolerated"; PolyPhen-2: "Benign"; Align-GVGD: "Class C0". The arginine amino acid residue is found in multiple mammalian species, which suggests that this missense change does not adversely affect protein function. In summary, the available evidence is currently insufficient to determine the role of this variant in disease. Therefore, it has been classified as a Variant of Uncertain Significance.

NM_017547.4(FOXRED1):c.947A>G (p.Lys316Arg)

Gene: FOXRED1 (FAD dependent oxidoreductase domain containing 1; plus strand). Cytogenetic location: 11q24.2.
Variant type: single nucleotide variant.
Coding change: c.947A>G on transcript NM_017547.4 (MANE Select); coding-DNA position 947, A replaced by G.
Protein change: p.Lys316Arg; replaces lysine 316 with arginine.
Molecular consequence: missense variant. On other transcripts: non-coding transcript variant (2).
Genome position (GRCh38, 1-based): chr11:126,276,195, A>G. VCF-style: chr11-126276195-A-G. GRCh37 (hg19) VCF-style: chr11-126146090-A-G.
Other names: short protein forms K316R.
Identifiers: ClinVar variation 1719178 (VCV001719178.3), dbSNP rs2497194595, ClinGen allele CA383230752.